The following is an entry in ClinVar:

ClinVar aggregate classification (germline): Conflicting classifications of pathogenicity. Review status: criteria provided, conflicting classifications (1 of 4 stars). 3 submissions from 3 submitters: Uncertain significance (2); Likely benign (1). Last evaluated 2025-04-21.

Conditions:
Cardiovascular phenotype. Identifiers: MedGen CN230736.
TTN-related disorder. Also called: TTN-related disorders; TTN-related condition; TTN-related disease.

Allele frequency attached by ClinVar (database versions not stated): gnomAD exomes below 0.00001; TOPMed below 0.00001.
gnomAD v4.1: 3 of 1,614,110 alleles (0.00019%); highest among the groups gnomAD compares: Admixed American, 0.0017%; no homozygotes.

Submissions (3):

PreventionGenetics, part of Exact Sciences
Classification: Uncertain significance for TTN-related condition. Last evaluated: 2025-04-21. Review status: criteria provided, single submitter. Criteria: ACMG Guidelines, 2015. Collection method: clinical testing. Allele origin: germline.
Comment: The TTN c.7492A>G variant is predicted to result in the amino acid substitution p.Thr2498Ala. To our knowledge, this variant has not been reported in the literature. This variant is reported in 0.0029% of alleles in individuals of Latino descent in gnomAD. At this time, the clinical significance of this variant is uncertain due to the absence of conclusive functional and genetic evidence.

Ambry Genetics
Classification: Uncertain significance for Cardiovascular phenotype. Last evaluated: 2020-08-04. Review status: criteria provided, single submitter. Criteria: Ambry Variant Classification Scheme 2023. Collection method: clinical testing. Allele origin: germline.
Comment: The p.T2452A variant (also known as c.7354A>G), located in coding exon 30 of the TTN gene, results from an A to G substitution at nucleotide position 7354. The threonine at codon 2452 is replaced by alanine, an amino acid with similar properties. This amino acid position is not well conserved in available vertebrate species, and alanine is the reference amino acid in other vertebrate species. In addition, this alteration is predicted to be tolerated by in silico analysis. Since supporting evidence is limited at this time, the clinical significance of this alteration remains unclear.

GeneDx
Classification: Likely benign. Last evaluated: 2018-04-03. Review status: criteria provided, single submitter. Criteria: GeneDx Variant Classification (06012015). Collection method: clinical testing. Allele origin: germline. Affected: yes.
Comment: This variant is considered likely benign or benign based on one or more of the following criteria: it is a conservative change, it occurs at a poorly conserved position in the protein, it is predicted to be benign by multiple in silico algorithms, and/or has population frequency not consistent with disease.

NM_001267550.2(TTN):c.7492A>G (p.Thr2498Ala)

Gene: TTN (titin; minus strand). Cytogenetic location: 2q31.2.
Variant type: single nucleotide variant.
Coding change: c.7492A>G on transcript NM_001267550.2 (MANE Select); coding-DNA position 7492, A replaced by G.
Protein change: p.Thr2498Ala; replaces threonine 2498 with alanine.
Molecular consequence: missense variant.
Genome position (GRCh38, 1-based): chr2:178,773,564, T>C on the plus strand (A>G on the coding strand, the complement: TTN is on the minus strand). VCF-style: chr2-178773564-T-C. GRCh37 (hg19) VCF-style: chr2-179638291-T-C.
Other names: c.7492A>G, p.Thr2498Ala (NM_001256850.1, NM_133378.4, NM_133379.5); c.7354A>G, p.Thr2452Ala (NM_003319.4, NM_133432.3, NM_133437.4); short protein forms T2498A, T2452A.
Identifiers: ClinVar variation 681446 (VCV000681446.4), dbSNP rs943280773, ClinGen allele CA61006468.